The following is an entry in ClinVar:

NM_138422.4(ADAT3):c.888T>G (p.Thr296=)

Genes: ADAT3 (adenosine deaminase tRNA specific 3; plus strand), SCAMP4 (secretory carrier membrane protein 4; plus strand). Cytogenetic location: 19p13.3.
Variant type: single nucleotide variant.
Coding change: c.888T>G on transcript NM_138422.4 (MANE Select); coding-DNA position 888, T replaced by G.
Protein change: p.Thr296=; no amino-acid change (threonine 296 retained).
Molecular consequence: synonymous variant. On other transcripts: intron variant (3).
Genome position (GRCh38, 1-based): chr19:1,912,935, T>G. VCF-style: chr19-1912935-T-G. GRCh37 (hg19) VCF-style: chr19-1912934-T-G.
Other names: c.840T>G, p.Thr280= (NM_001329533.2); c.-41-2044T>G (NM_079834.4, NM_001329540.2); c.-125-4759T>G (NM_001329539.2).
Identifiers: ClinVar variation 3039638 (VCV003039638.2), dbSNP rs12984675, ClinGen allele CA504907686.

ClinVar aggregate classification (germline): Likely benign (0 of 4 stars; one submission).

Conditions:
ADAT3-related disorder. Also called: ADAT3-related condition.

Allele frequency attached by ClinVar (database versions not stated): 1000 Genomes Project 30x 0.00094.

Submission:

PreventionGenetics, part of Exact Sciences
Classification: Likely benign for ADAT3-related condition. Last evaluated: 2019-06-05. Review status: no assertion criteria provided. Collection method: clinical testing. Allele origin: germline.
Comment: This variant is classified as likely benign based on ACMG/AMP sequence variant interpretation guidelines (Richards et al. 2015 PMID: 25741868, with internal and published modifications).